The following is an entry in ClinVar:

ClinVar aggregate classification (germline): Uncertain significance (1 of 4 stars; one submission).

Submission:

Labcorp Genetics (formerly Invitae), Labcorp
Classification: Uncertain significance. Last evaluated: 2024-09-03. Review status: criteria provided, single submitter. Criteria: Invitae Variant Classification Sherloc (09022015). Collection method: clinical testing. Allele origin: germline.
Comment: This sequence change replaces threonine, which is neutral and polar, with isoleucine, which is neutral and non-polar, at codon 1451 of the VCAN protein (p.Thr1451Ile). This variant is not present in population databases (gnomAD no frequency). This variant has not been reported in the literature in individuals affected with VCAN-related conditions. An algorithm developed to predict the effect of missense changes on protein structure and function (PolyPhen-2) suggests that this variant is likely to be tolerated. In summary, the available evidence is currently insufficient to determine the role of this variant in disease. Therefore, it has been classified as a Variant of Uncertain Significance.

NM_004385.5(VCAN):c.4352C>T (p.Thr1451Ile)

Genes: VCAN (versican; plus strand), VCAN-AS1 (VCAN antisense RNA 1; minus strand). Cytogenetic location: 5q14.3.
Variant type: single nucleotide variant.
Coding change: c.4352C>T on transcript NM_004385.5 (MANE Select); coding-DNA position 4352, C replaced by T.
Protein change: p.Thr1451Ile; replaces threonine 1451 with isoleucine.
Molecular consequence: missense variant. On other transcripts: intron variant (2).
Genome position (GRCh38, 1-based): chr5:83,537,355, C>T. VCF-style: chr5-83537355-C-T. GRCh37 (hg19) VCF-style: chr5-82833174-C-T.
Other names: c.1391C>T, p.Thr464Ile (NM_001164097.2); c.4004-8182C>T (NM_001164098.2); c.1043-8182C>T (NM_001126336.3); short protein forms T1451I, T464I.
Identifiers: ClinVar variation 3617716 (VCV003617716.2).
Genomic context (GRCh38, chr5:83,537,355, plus strand): 5'-GTGGCCAGTTTGAAAGTGTTGCACCTTCTCAGAATTTCTCGGACAGCTCTGAAAGTGATA[C>T]TCATCCATTTGTAATAGCCAAAACGGAATTGTCTACTGCTGTGCAACCTAATGAATCTAC-3'
Protein context (NP_004376.2, residues 1441-1461): QNFSDSSESD[Thr1451Ile]HPFVIAKTEL